The following is an entry in ClinVar:

NM_024334.3(TMEM43):c.706-1G>A

Gene: TMEM43 (transmembrane protein 43; plus strand). Cytogenetic location: 3p25.1.
Variant type: single nucleotide variant.
Coding change: c.706-1G>A on transcript NM_024334.3 (MANE Select); the canonical splice acceptor site of the intron before coding-DNA position 706, G replaced by A.
Molecular consequence: splice acceptor variant. On other transcripts: intron variant (1).
Genome position (GRCh38, 1-based): chr3:14,135,157, G>A. VCF-style: chr3-14135157-G-A. GRCh37 (hg19) VCF-style: chr3-14176657-G-A.
Other names: c.709-1G>A (NM_001407274.1); c.706-1G>A (NM_001407276.1, NM_001407275.1, NM_001407277.1); c.705+266G>A (NM_001407279.1); c.691-1G>A (NM_001407278.1); c.556-1G>A (NM_001407280.1).
Identifiers: ClinVar variation 1474294 (VCV001474294.9), dbSNP rs764377071, ClinGen allele CA351535695.
Genomic context (GRCh38, chr3:14,135,157, plus strand): 5'-GGACCTGGGCCTGGGCCAGCTACTCCGTTCCTCACTCTCCCTGCTTCTCTTCCACCCCCA[G>A]GTGGGAGACTTGCGTGTCTCCTTTTCCTATGCTGGACTGAGCGGCGATGACCCTGACCTG-3'

ClinVar aggregate classification (germline): Uncertain significance. Review status: criteria provided, multiple submitters, no conflicts (2 of 4 stars). 2 submissions from 2 submitters: Uncertain significance (2). Last evaluated 2023-04-03.

Conditions:
Arrhythmogenic right ventricular dysplasia 5. Also called: Arrhythmogenic Right Ventricular Dysplasia/Cardiomyopathy 5; ARRHYTHMOGENIC RIGHT VENTRICULAR DYSPLASIA, FAMILIAL, 5. Identifiers: MedGen C1858379, MONDO:0011459, OMIM 604400.

gnomAD v4.1: 1 of 1,611,938 alleles (0.000062%); highest among the groups gnomAD compares: Admixed American, 0.0017%; no homozygotes.

Submissions (2):

All of Us Research Program, National Institutes of Health
Classification: Uncertain significance for Arrhythmogenic right ventricular dysplasia 5. Last evaluated: 2023-04-03. Review status: criteria provided, single submitter. Criteria: ACMG Guidelines, 2015. Collection method: clinical testing. Allele origin: germline. Inheritance: Autosomal dominant inheritance. Observed: 1 variant allele, 1 heterozygote.
Comment: This variant causes a G to A nucleotide substitution at the -1 position of intron 8 of the TMEM43 gene. Splice site prediction tools predict that this variant may have a significant impact on RNA splicing. To our knowledge, functional RNA studies have not been reported for this variant. This variant has not been reported in individuals affected with TMEM43-related disorders in the literature. This variant has been identified in 1/249532 chromosomes in the general population by the Genome Aggregation Database (gnomAD). Clinical relevance of loss-of-function truncation and splice variants in the TMEM43 gene is not clearly established. The available evidence is insufficient to determine the role of this variant in disease conclusively. Therefore, this variant is classified as a Variant of Uncertain Significance.

This study involves interpretation of variants in research participants for the purpose of population health screening. Participant phenotype was not available at the time of variant classification. Additional details can be found in publication PMID: 35346344, PMCID: PMC8962531

Labcorp Genetics (formerly Invitae), Labcorp
Classification: Uncertain significance for Arrhythmogenic right ventricular dysplasia 5. Last evaluated: 2021-06-13. Review status: criteria provided, single submitter. Criteria: Invitae Variant Classification Sherloc (09022015). Collection method: clinical testing. Allele origin: germline.
Comment: In summary, the available evidence is currently insufficient to determine the role of this variant in disease. Therefore, it has been classified as a Variant of Uncertain Significance. Algorithms developed to predict the effect of sequence changes on RNA splicing suggest that this variant may disrupt the consensus splice site, but this prediction has not been confirmed by published transcriptional studies. This variant has not been reported in the literature in individuals with TMEM43-related conditions. This variant is not present in population databases (ExAC no frequency). This sequence change affects an acceptor splice site in intron 8 of the TMEM43 gene. It is expected to disrupt RNA splicing. Variants that disrupt the donor or acceptor splice site typically lead to a loss of protein function (PMID: 16199547), however the current clinical and genetic evidence is not sufficient to establish whether loss-of-function variants in TMEM43 cause disease.

Literature cited by the submitters: PubMed 16199547 (cited by Labcorp Genetics (formerly Invitae), Labcorp).